The following is an entry in ClinVar:

NM_006269.2(RP1):c.2300dup (p.Asn767fs)

Gene: RP1 (RP1 axonemal microtubule associated; plus strand). Cytogenetic location: 8q12.1.
Variant type: Duplication.
Coding change: c.2300dup on transcript NM_006269.2 (MANE Select); coding-DNA position 2300, one base duplicated (A; older notation c.2300dupA).
Protein change: p.Asn767fs; shifts the reading frame from asparagine 767.
Molecular consequence: frameshift variant. On other transcripts: intron variant (1).
Genome position (GRCh38, 1-based): chr8:54,626,182, A duplicated; the last of 4 consecutive A bases (chr8:54,626,179-54,626,182); duplicating any one gives the same sequence. VCF-style (leftmost placement, unchanged base first): chr8-54626178-C-CA. GRCh37 (hg19) VCF-style: chr8-55538738-C-CA.
Other names: c.787+3894dup (NM_001375654.1); short protein forms N767fs.
Identifiers: ClinVar variation 3767341 (VCV003767341.1).

ClinVar aggregate classification (germline): Likely pathogenic (1 of 4 stars; one submission).

Conditions:
Retinitis pigmentosa 1 (RP1). Identifiers: Orphanet 791, MedGen C0220701, MONDO:0008377, OMIM 180100.

Submission:

SingHealth Duke-NUS Institute of Precision Medicine
Classification: Likely pathogenic for Retinitis pigmentosa 1. Last evaluated: 2025-02-05. Review status: criteria provided, single submitter. Criteria: PRISM ACMG Classification Criteria. Collection method: clinical testing. Allele origin: germline. Affected: yes.
Comment: Variant is expected to truncate >60% of RP1 and causes LOF; LOF is a known disease mechanism for the protein (PVS1). Variant is not found in gnomAD exomes or genomes (PM2)